The following is an entry in ClinVar:

ClinVar aggregate classification (germline): Uncertain significance. Review status: criteria provided, multiple submitters, no conflicts (2 of 4 stars). 2 submissions from 2 submitters: Uncertain significance (2). Last evaluated 2025-02-14.

Conditions:
Mitochondrial complex II deficiency, nuclear type 1. Also called: SUCCINATE CoQ REDUCTASE DEFICIENCY. Identifiers: Orphanet 3208, MedGen C5700310, MONDO:0100294, OMIM 252011.
Pheochromocytoma/paraganglioma syndrome 5. Also called: Paragangliomas 5; SDHA-Related Hereditary Paraganglioma-Pheochromocytoma Syndrome. Identifiers: Orphanet 29072, MedGen C3279992, MONDO:0013602, OMIM 614165.
Hereditary cancer-predisposing syndrome. Also called: Hereditary Cancer Syndrome; Neoplastic Syndromes, Hereditary; Tumor predisposition; Hereditary neoplastic syndrome. Identifiers: Orphanet 140162, MedGen C0027672, MeSH D009386, MONDO:0015356.

Allele frequency attached by ClinVar (database versions not stated): gnomAD exomes below 0.00001.

Submissions (2):

Ambry Genetics
Classification: Uncertain significance for Hereditary cancer-predisposing syndrome. Last evaluated: 2025-02-14. Review status: criteria provided, single submitter. Criteria: Ambry Variant Classification Scheme 2023. Collection method: clinical testing. Allele origin: germline.
Comment: The p.Y604C variant (also known as c.1811A>G), located in coding exon 14 of the SDHA gene, results from an A to G substitution at nucleotide position 1811. The tyrosine at codon 604 is replaced by cysteine, an amino acid with highly dissimilar properties. This amino acid position is highly conserved in available vertebrate species. In addition, this alteration is predicted to be tolerated by in silico analysis. Based on the available evidence, the clinical significance of this variant remains unclear.

Labcorp Genetics (formerly Invitae), Labcorp
Classification: Uncertain significance for Pheochromocytoma/paraganglioma syndrome 5; Mitochondrial complex II deficiency, nuclear type 1. Last evaluated: 2020-03-18. Review status: criteria provided, single submitter. Criteria: Invitae Variant Classification Sherloc (09022015). Collection method: clinical testing. Allele origin: germline.
Comment: This variant has not been reported in the literature in individuals with SDHA-related conditions. In summary, the available evidence is currently insufficient to determine the role of this variant in disease. Therefore, it has been classified as a Variant of Uncertain Significance. Algorithms developed to predict the effect of missense changes on protein structure and function are either unavailable or do not agree on the potential impact of this missense change (SIFT: "Deleterious"; PolyPhen-2: "Possibly Damaging"; Align-GVGD: "Class C0"). This variant is not present in population databases (ExAC no frequency). This sequence change replaces tyrosine with cysteine at codon 604 of the SDHA protein (p.Tyr604Cys). The tyrosine residue is moderately conserved and there is a large physicochemical difference between tyrosine and cysteine.

NM_004168.4(SDHA):c.1811A>G (p.Tyr604Cys)

Gene: SDHA (succinate dehydrogenase complex flavoprotein subunit A; plus strand). Cytogenetic location: 5p15.33.
Variant type: single nucleotide variant.
Coding change: c.1811A>G on transcript NM_004168.4 (MANE Select); coding-DNA position 1811, A replaced by G.
Protein change: p.Tyr604Cys; replaces tyrosine 604 with cysteine.
Molecular consequence: missense variant.
Genome position (GRCh38, 1-based): chr5:254,409, A>G. VCF-style: chr5-254409-A-G. GRCh37 (hg19) VCF-style: chr5-254524-A-G.
Other names: c.1667A>G, p.Tyr556Cys (NM_001294332.2); c.1568A>G, p.Tyr523Cys (NM_001330758.2); c.1811A>G (NM_004168.2); short protein forms Y556C, Y523C, Y604C.
Identifiers: ClinVar variation 945232 (VCV000945232.11), dbSNP rs1737044552, ClinGen allele CA359001690.